The following is an entry in ClinVar:

NM_001366385.1(CARD14):c.2778dup (p.Val927fs)

Genes: CARD14 (caspase recruitment domain family member 14; plus strand), SGSH (N-sulfoglucosamine sulfohydrolase; minus strand). Cytogenetic location: 17q25.3.
Variant type: Duplication.
Coding change: c.2778dup on transcript NM_001366385.1 (MANE Select); coding-DNA position 2778, one base duplicated (T; older notation c.2778dupT).
Protein change: p.Val927fs; shifts the reading frame from valine 927.
Molecular consequence: frameshift variant. On other transcripts: non-coding transcript variant (1).
Genome position (GRCh38, 1-based): chr17:80,207,056, T duplicated. VCF-style (leftmost placement, unchanged base first): chr17-80207055-C-CT. GRCh37 (hg19) VCF-style: chr17-78180854-C-CT.
Other names: c.2778dup, p.Val927fs (NM_024110.4); short protein forms V927fs.
Identifiers: ClinVar variation 1363663 (VCV001363663.8), dbSNP rs2144608270, ClinGen allele CA2573155024.
Genomic context (GRCh38, chr17:80,207,055, plus strand): 5'-AGCTGGACAGTGTCTGCACCCTGCACAGGATGGACATCTTCCCCATCGTCATCCACGTCT[C>CT]TGTCAACGAGAAGATGGCAAAGAAGCTCAAGTAGGTGCACGCTGGGGGCTGGGCAGGGGC-3'

ClinVar aggregate classification (germline): Uncertain significance (1 of 4 stars; one submission).

Conditions:
Psoriasis 2. Identifiers: MedGen C1864497, MONDO:0011269, OMIM 602723.
Pityriasis rubra pilaris (PRP). Also called: Pityriasis rubra pilaris--familial type. Identifiers: Orphanet 2897, MedGen C0032027, MONDO:0100017, OMIM 173200, MONDO:0008251.

Submission:

Labcorp Genetics (formerly Invitae), Labcorp
Classification: Uncertain significance for Pityriasis rubra pilaris; Psoriasis 2. Last evaluated: 2022-11-22. Review status: criteria provided, single submitter. Criteria: Invitae Variant Classification Sherloc (09022015). Collection method: clinical testing. Allele origin: germline.
Comment: This sequence change creates a premature translational stop signal (p.Val927Cysfs*47) in the CARD14 gene. While this is not anticipated to result in nonsense mediated decay, it is expected to disrupt the last 78 amino acid(s) of the CARD14 protein. This variant is not present in population databases (gnomAD no frequency). In summary, the available evidence is currently insufficient to determine the role of this variant in disease. Therefore, it has been classified as a Variant of Uncertain Significance. Experimental studies and prediction algorithms are not available or were not evaluated, and the functional significance of this variant is currently unknown. ClinVar contains an entry for this variant (Variation ID: 1363663). This variant has not been reported in the literature in individuals affected with CARD14-related conditions.